The following is an entry in ClinVar:

NM_015214.3(DDHD2):c.568C>G (p.Arg190Gly)

Gene: DDHD2 (DDHD domain containing 2; plus strand). Cytogenetic location: 8p11.23.
Variant type: single nucleotide variant.
Coding change: c.568C>G on transcript NM_015214.3 (MANE Select); coding-DNA position 568, C replaced by G.
Protein change: p.Arg190Gly; replaces arginine 190 with glycine.
Molecular consequence: missense variant. On other transcripts: non-coding transcript variant (2).
Genome position (GRCh38, 1-based): chr8:38,238,155, C>G. VCF-style: chr8-38238155-C-G. GRCh37 (hg19) VCF-style: chr8-38095673-C-G.
Other names: p.Arg190Gly; c.568C>G, p.Arg190Gly (NM_001164232.2, NM_001164234.2, NM_001362911.2 and 3 more transcripts); short protein forms R190G.
Identifiers: ClinVar variation 2683008 (VCV002683008.1), dbSNP rs377293194, ClinGen allele CA370715738.

ClinVar aggregate classification (germline): Uncertain significance (1 of 4 stars; one submission).

Submission:

Mayo Clinic Laboratories, Mayo Clinic
Classification: Uncertain significance. Last evaluated: 2022-04-19. Review status: criteria provided, single submitter. Criteria: ACMG Guidelines, 2015. Collection method: clinical testing. Allele origin: germline. Observed: 1 variant allele.
Comment: PM2